The following is an entry in ClinVar:

NM_000350.3(ABCA4):c.6560A>G (p.Gln2187Arg)

Gene: ABCA4 (ATP binding cassette subfamily A member 4; minus strand). Cytogenetic location: 1p22.1.
Variant type: single nucleotide variant.
Coding change: c.6560A>G on transcript NM_000350.3 (MANE Select); coding-DNA position 6560, A replaced by G.
Protein change: p.Gln2187Arg; replaces glutamine 2187 with arginine.
Molecular consequence: missense variant.
Genome position (GRCh38, 1-based): chr1:93,998,030, T>C on the plus strand (A>G on the coding strand, the complement: ABCA4 is on the minus strand). VCF-style: chr1-93998030-T-C. GRCh37 (hg19) VCF-style: chr1-94463586-T-C.
Other names: c.6338A>G, p.Gln2113Arg (NM_001425324.1); short protein forms Q2187R, Q2113R.
Identifiers: ClinVar variation 1488510 (VCV001488510.7), dbSNP rs1339233014, ClinGen allele CA341276583.

ClinVar aggregate classification (germline): Uncertain significance. Review status: criteria provided, multiple submitters, no conflicts (2 of 4 stars). 2 submissions from 2 submitters: Uncertain significance (2). Last evaluated 2024-07-03.

Conditions:
Severe early-childhood-onset retinal dystrophy (STGD1). Also called: Stargardt macular dystrophy; Juvenile onset macular degeneration; Stargardt disease 1; MACULAR DYSTROPHY WITH FLECKS, TYPE 1; STGD. Identifiers: Orphanet 364055, Orphanet 827, MedGen C1855465, MeSH D000080362, MONDO:0009549, OMIM 248200.
Age related macular degeneration 2. Also called: MACULAR DEGENERATION, SENILE; MACULOPATHY, AGE-RELATED, 2; MACULOPATHY, AGE-RELATED. Identifiers: MedGen C3495438, MONDO:0007932, OMIM 153800.
Retinitis pigmentosa 19 (RP19). Also called: ABCA4-Related Retinitis Pigmentosa. Identifiers: Orphanet 791, MedGen C1866422, MONDO:0011137, OMIM 601718.
Cone-rod dystrophy 3 (CORD3). Identifiers: Orphanet 1872, MedGen C1858806, MONDO:0011395, OMIM 604116.

Allele frequency attached by ClinVar (database versions not stated): gnomAD exomes 0.00006 and 0.00002; TOPMed 0.00019; gnomAD 0.00013 and 0.00014.
gnomAD v4.1: 33 of 1,614,102 alleles (0.002%); highest among the groups gnomAD compares: Admixed American, 0.055%; no homozygotes.

Submissions (2):

Labcorp Genetics (formerly Invitae), Labcorp
Classification: Uncertain significance. Last evaluated: 2024-07-03. Review status: criteria provided, single submitter. Criteria: Invitae Variant Classification Sherloc (09022015). Collection method: clinical testing. Allele origin: germline.
Comment: This sequence change replaces glutamine, which is neutral and polar, with arginine, which is basic and polar, at codon 2187 of the ABCA4 protein (p.Gln2187Arg). This variant is present in population databases (no rsID available, gnomAD 0.04%). This missense change has been observed in individual(s) with Stargardt disease (PMID: 15192030). ClinVar contains an entry for this variant (Variation ID: 1488510). Advanced modeling of protein sequence and biophysical properties (such as structural, functional, and spatial information, amino acid conservation, physicochemical variation, residue mobility, and thermodynamic stability) performed at Invitae indicates that this missense variant is not expected to disrupt ABCA4 protein function with a negative predictive value of 80%. In summary, the available evidence is currently insufficient to determine the role of this variant in disease. Therefore, it has been classified as a Variant of Uncertain Significance.

Fulgent Genetics
Classification: Uncertain significance for Age related macular degeneration 2; Severe early-childhood-onset retinal dystrophy; Retinitis pigmentosa 19; Cone-rod dystrophy 3. Last evaluated: 2022-03-01. Review status: criteria provided, single submitter. Criteria: ACMG Guidelines, 2015. Collection method: clinical testing. Allele origin: unknown.

Literature cited by the submitters: PubMed 15192030 (cited by Labcorp Genetics (formerly Invitae), Labcorp).